The following is an entry in ClinVar:

NM_004360.5(CDH1):c.876T>C (p.Asp292=)

Gene: CDH1 (cadherin 1; plus strand). Cytogenetic location: 16q22.1.
Variant type: single nucleotide variant.
Coding change: c.876T>C on transcript NM_004360.5 (MANE Select); coding-DNA position 876, T replaced by C.
Protein change: p.Asp292=; no amino-acid change (aspartic acid 292 retained).
Molecular consequence: synonymous variant. On other transcripts: 5 prime UTR variant (2).
Genome position (GRCh38, 1-based): chr16:68,811,727, T>C. VCF-style: chr16-68811727-T-C. GRCh37 (hg19) VCF-style: chr16-68845630-T-C.
Other names: c.876T>C, p.Asp292= (NM_001317184.2); c.-740T>C (NM_001317185.2); c.-944T>C (NM_001317186.2).
Identifiers: ClinVar variation 1050499 (VCV001050499.11), dbSNP rs1055713249, ClinGen allele CA283300059.

ClinVar aggregate classification (germline): Likely benign. Review status: criteria provided, multiple submitters, no conflicts (2 of 4 stars). 3 submissions from 3 submitters: Likely benign (2). 1 of the submissions does not count toward it. Last evaluated 2022-10-20.

Conditions:
Hereditary cancer-predisposing syndrome. Also called: Hereditary Cancer Syndrome; Tumor predisposition; Hereditary neoplastic syndrome; Neoplastic Syndromes, Hereditary. Identifiers: Orphanet 140162, MedGen C0027672, MeSH D009386, MONDO:0015356.
Hereditary diffuse gastric adenocarcinoma (HDGC). Also called: DIFFUSE GASTRIC AND LOBULAR BREAST CANCER SYNDROME. Identifiers: Orphanet 26106, MedGen C1708349, MONDO:0007648, OMIM 137215.

gnomAD v4.1: 2 of 1,614,118 alleles (0.00012%); highest among the groups gnomAD compares: Non-Finnish European, 0.00017%; no homozygotes.

Submissions (3):

Ambry Genetics
Classification: Likely benign for Hereditary cancer-predisposing syndrome. Last evaluated: 2022-10-20. Review status: criteria provided, single submitter. Criteria: Ambry Variant Classification Scheme 2023. Collection method: clinical testing. Allele origin: germline.

Labcorp Genetics (formerly Invitae), Labcorp
Classification: Likely benign for Hereditary diffuse gastric adenocarcinoma. Last evaluated: 2022-08-19. Review status: criteria provided, single submitter. Criteria: Invitae Variant Classification Sherloc (09022015). Collection method: clinical testing. Allele origin: germline.

Department of Pathology and Laboratory Medicine, Sinai Health System
Classification: Likely benign. Review status: no assertion criteria provided. Collection method: clinical testing. Allele origin: unknown. Affected: yes. Study: The Canadian Open Genetics Repository (COGR). Not counted in ClinVar's aggregate classification.
Comment: The CDH1 p.Asp292= variant was not identified in the literature nor was it identified in ClinVar. The variant was not observed in the following control databases: the Exome Aggregation Consortium (August 8th 2016) or the Genome Aggregation Database (Feb 27, 2017). The variant was identified in dbSNP (ID: rs1055713249). The p.Asp292= variant is not expected to have clinical significance because it does not result in a change of amino acid and is not located in a known consensus splice site. In addition, in silico or computational prediction software programs (SpliceSiteFinder, MaxEntScan, NNSPLICE, GeneSplicer) do not predict a difference in splicing. In summary, based on the above information, the clinical significance of this variant cannot be determined with certainty at this time although we would lean towards a more benign role for this variant. This variant is classified as likely benign.